The following is an entry in ClinVar:

ClinVar aggregate classification (germline): Uncertain significance (1 of 4 stars; one submission).

Conditions:
ABCB4-related disorder. Also called: ABCB4-related disorders; ABCB4-related condition.

Submission:

PreventionGenetics, part of Exact Sciences
Classification: Uncertain significance for ABCB4-related condition. Last evaluated: 2026-06-18. Review status: criteria provided, single submitter. Criteria: ACMG Guidelines, 2015. Collection method: clinical testing. Allele origin: germline.
Comment: The ABCB4 c.913T>C variant is predicted to result in the amino acid substitution p.Phe305Leu. To our knowledge, this variant has not been reported in the literature or in a large population database (gnomAD), indicating this variant is rare. At this time, the clinical significance of this variant is uncertain due to the absence of conclusive functional and genetic evidence.

NM_000443.4(ABCB4):c.913T>C (p.Phe305Leu)

Gene: ABCB4 (ATP binding cassette subfamily B member 4; minus strand). Cytogenetic location: 7q21.12.
Variant type: single nucleotide variant.
Coding change: c.913T>C on transcript NM_000443.4 (MANE Select); coding-DNA position 913, T replaced by C.
Protein change: p.Phe305Leu; replaces phenylalanine 305 with leucine.
Molecular consequence: missense variant.
Genome position (GRCh38, 1-based): chr7:87,447,126, A>G on the plus strand (T>C on the coding strand, the complement: ABCB4 is on the minus strand). VCF-style: chr7-87447126-A-G. GRCh37 (hg19) VCF-style: chr7-87076442-A-G.
Other names: c.913T>C, p.Phe305Leu (NM_018849.3, NM_018850.3); short protein forms F305L.
Identifiers: ClinVar variation 4993697 (VCV004993697.1).
Genomic context (GRCh38, chr7:87,447,126, plus strand): 5'-ATATGACTAGAGTGGATCCATACCAGAAGGCCAGTGCATATGATGCATATATTAACAGGA[A>G]GGCAATACCCATGGAAATGTTTGCTGAAATAGCTTTTTTAATTCCAATCTCTTTGGCATT-3'
Protein context (NP_000434.1, residues 295-315): ISANISMGIA[Phe305Leu]LLIYASYALA